The following is an entry in ClinVar:

ClinVar aggregate classification (germline): Uncertain significance (1 of 4 stars; one submission).

Submission:

GeneDx
Classification: Uncertain significance. Last evaluated: 2024-08-23. Review status: criteria provided, single submitter. Criteria: GeneDx Variant Classification Process June 2021. Collection method: clinical testing. Allele origin: germline. Affected: yes.
Comment: Not observed at significant frequency in large population cohorts (gnomAD); In silico analysis supports that this missense variant has a deleterious effect on protein structure/function; Has not been previously published as pathogenic or benign to our knowledge

NM_017780.4(CHD7):c.5729C>G (p.Thr1910Ser)

Gene: CHD7 (chromodomain helicase DNA binding protein 7; plus strand). Cytogenetic location: 8q12.2.
Variant type: single nucleotide variant.
Coding change: c.5729C>G on transcript NM_017780.4 (MANE Select); coding-DNA position 5729, C replaced by G.
Protein change: p.Thr1910Ser; replaces threonine 1910 with serine.
Molecular consequence: missense variant. On other transcripts: intron variant (1).
Genome position (GRCh38, 1-based): chr8:60,852,082, C>G. VCF-style: chr8-60852082-C-G. GRCh37 (hg19) VCF-style: chr8-61764641-C-G.
Other names: c.1717-10147C>G (NM_001316690.1); short protein forms T1910S.
Identifiers: ClinVar variation 3764311 (VCV003764311.1).
Genomic context (GRCh38, chr8:60,852,082, plus strand): 5'-AGCACAGTGAGAGTAATGCTGAGTTAGGCCAACTTTACTGGCCTAACACTTCAACCCTGA[C>G]TACACGTCTGCGCCGGCTCATTACTGCCTATCAGCGCAGCTATAAAAGGCAACAGATGAG-3'
Protein context (NP_060250.2, residues 1900-1920): QLYWPNTSTL[Thr1910Ser]TRLRRLITAY